The following is an entry in ClinVar:

ClinVar aggregate classification (germline): Pathogenic/Likely pathogenic. Review status: criteria provided, multiple submitters, no conflicts (2 of 4 stars). 2 submissions from 2 submitters: Pathogenic (1); Likely pathogenic (1). Last evaluated 2024-08-16.

Conditions:
SCN9A-related disorder. Also called: SCN9A-related disorders; SCN9A-related condition.

Submissions (2):

Rady Children's Institute for Genomic Medicine, Rady Children's Hospital San Diego
Classification: Likely pathogenic for SCN9A-related disorders. Last evaluated: 2024-08-16. Review status: criteria provided, single submitter. Criteria: ACMG Guidelines, 2015. Collection method: clinical testing. Allele origin: germline. Affected: yes.
Comment: The c.1185C>G (p.Asn395Lys) variant affects a highly conserved amino acid located within the local anesthetic binding site and is predicted by multiple in silico tools to have a deleterious effect on protein function (PMID: 17430993). This variant has been previously reported as a heterozygous change in a family with erythermalgia (PMID: 17263810). A different nucleotide substitution resulting in the same amino change has also been reported as a heterozygous change in a family with erythermalgia (PMID: 15955112). Functional studies suggest that this variant leads to altered channel function and altered lidocaine binding (PMID: 17430993). The c.1185C>G (p.Asn395Lys) variant is absent from the gnomAD v4 population database and thus is presumed to be rare. Based on the available evidence, c.1185C>G (p.Asn395Lys) is classified as Likely Pathogenic.

GeneDx
Classification: Pathogenic. Last evaluated: 2015-08-24. Review status: criteria provided, single submitter. Criteria: GeneDx Variant Classification (06012015). Collection method: clinical testing. Allele origin: germline. Affected: yes.
Comment: The N395K missense variant in the SCN9A gene has been reported previously in association with erythermalgia (Zhang et al., 2007). Functional studies show that the N395 residue, which is located in the local anesthetic binding site, is critical for lidocaine binding, and N395K was associated with altered channel function and altered lidocaine binding (Sheets et al., 2007). The N395K variant was not observed in approximately 5,900 individuals of European and African American ancestry in the NHLBI Exome Sequencing Project, indicating it is not a common benign variant in these populations. It is a semi-conservative amino acid substitution, which occurs at a position in the protein that is conserved across species. Additionally, a different nucleotide substitution (c.1185 C>A) resulting in the same amino acid substitution (N395K) has also been published in association with primary erythermalgia (Drenth et al., 2005). Therefore, the presence of the N395K variant is consistent with a diagnosis of an SCN9A-related disorder

NM_001365536.1(SCN9A):c.1185C>G (p.Asn395Lys)

Genes: SCN1A-AS1 (SCN1A and SCN9A antisense RNA 1; plus strand), SCN9A (sodium voltage-gated channel alpha subunit 9; minus strand). Cytogenetic location: 2q24.3.
Variant type: single nucleotide variant.
Coding change: c.1185C>G on transcript NM_001365536.1 (MANE Select); coding-DNA position 1185, C replaced by G.
Protein change: p.Asn395Lys; replaces asparagine 395 with lysine.
Molecular consequence: missense variant.
Genome position (GRCh38, 1-based): chr2:166,288,566, G>C on the plus strand (C>G on the coding strand, the complement: SCN9A is on the minus strand). VCF-style: chr2-166288566-G-C. GRCh37 (hg19) VCF-style: chr2-167145076-G-C.
Other names: c.1185C>G, p.Asn395Lys (NM_002977.4); short protein forms N395K.
Identifiers: ClinVar variation 245897 (VCV000245897.3), dbSNP rs80356471, ClinGen allele CA10584167.